The following is an entry in ClinVar:

ClinVar aggregate classification (germline): Uncertain significance. Review status: criteria provided, multiple submitters, no conflicts (2 of 4 stars). 3 submissions from 3 submitters: Uncertain significance (3). Last evaluated 2023-10-22.

Conditions:
Haddad syndrome (OHD). Also called: Ondine-Hirschsprung disease. Identifiers: Orphanet 99803, MedGen C1859049, MONDO:0020493.
Hereditary cancer-predisposing syndrome. Also called: Hereditary Cancer Syndrome; Hereditary neoplastic syndrome; Neoplastic Syndromes, Hereditary; Tumor predisposition. Identifiers: Orphanet 140162, MedGen C0027672, MeSH D009386, MONDO:0015356.

Allele frequency attached by ClinVar (database versions not stated): TOPMed below 0.00001; gnomAD 0.00001.

Submissions (3):

GeneDx
Classification: Uncertain significance. Last evaluated: 2023-10-22. Review status: criteria provided, single submitter. Criteria: GeneDx Variant Classification Process June 2021. Collection method: clinical testing. Allele origin: germline. Affected: yes.
Comment: Not observed at significant frequency in large population cohorts (gnomAD); In silico analysis supports that this missense variant does not alter protein structure/function; Has not been previously published as pathogenic or benign to our knowledge

Ambry Genetics
Classification: Uncertain significance for Hereditary cancer-predisposing syndrome. Last evaluated: 2023-09-24. Review status: criteria provided, single submitter. Criteria: Ambry Variant Classification Scheme 2023. Collection method: clinical testing. Allele origin: germline.
Comment: The p.A226E variant (also known as c.677C>A), located in coding exon 3 of the PHOX2B gene, results from a C to A substitution at nucleotide position 677. The alanine at codon 226 is replaced by glutamic acid, an amino acid with dissimilar properties. This amino acid position is conserved. In addition, this alteration is predicted to be tolerated by in silico analysis. Since supporting evidence is limited at this time, the clinical significance of this alteration remains unclear.

Labcorp Genetics (formerly Invitae), Labcorp
Classification: Uncertain significance for Haddad syndrome. Last evaluated: 2022-08-10. Review status: criteria provided, single submitter. Criteria: Invitae Variant Classification Sherloc (09022015). Collection method: clinical testing. Allele origin: germline.
Comment: This variant has not been reported in the literature in individuals affected with PHOX2B-related conditions. In summary, the available evidence is currently insufficient to determine the role of this variant in disease. Therefore, it has been classified as a Variant of Uncertain Significance. Algorithms developed to predict the effect of missense changes on protein structure and function are either unavailable or do not agree on the potential impact of this missense change (SIFT: "Tolerated"; PolyPhen-2: "Not Available"; Align-GVGD: "Class C0"). ClinVar contains an entry for this variant (Variation ID: 1449632). This variant is not present in population databases (gnomAD no frequency). This sequence change replaces alanine, which is neutral and non-polar, with glutamic acid, which is acidic and polar, at codon 226 of the PHOX2B protein (p.Ala226Glu).

NM_003924.4(PHOX2B):c.677C>A (p.Ala226Glu)

Gene: PHOX2B (paired like homeobox 2B; minus strand). Cytogenetic location: 4p13.
Variant type: single nucleotide variant.
Coding change: c.677C>A on transcript NM_003924.4 (MANE Select); coding-DNA position 677, C replaced by A.
Protein change: p.Ala226Glu; replaces alanine 226 with glutamic acid.
Molecular consequence: missense variant.
Genome position (GRCh38, 1-based): chr4:41,746,075, G>T on the plus strand (C>A on the coding strand, the complement: PHOX2B is on the minus strand). VCF-style: chr4-41746075-G-T. GRCh37 (hg19) VCF-style: chr4-41748092-G-T.
Other names: c.677C>A (NM_003924.3); short protein forms A226E.
Identifiers: ClinVar variation 1449632 (VCV001449632.10), dbSNP rs926554947, ClinGen allele CA95828508.